The following is an entry in ClinVar:

NM_015335.5(MED13L):c.5710C>G (p.Leu1904Val)

Gene: MED13L (mediator complex subunit 13L; minus strand). Cytogenetic location: 12q24.21.
Variant type: single nucleotide variant.
Coding change: c.5710C>G on transcript NM_015335.5 (MANE Select); coding-DNA position 5710, C replaced by G.
Protein change: p.Leu1904Val; replaces leucine 1904 with valine.
Molecular consequence: missense variant.
Genome position (GRCh38, 1-based): chr12:115,975,192, G>C on the plus strand (C>G on the coding strand, the complement: MED13L is on the minus strand). VCF-style: chr12-115975192-G-C. GRCh37 (hg19) VCF-style: chr12-116412997-G-C.
Other names: short protein forms L1904V.
Identifiers: ClinVar variation 2663221 (VCV002663221.1), dbSNP rs2499796913, ClinGen allele CA386878142.

ClinVar aggregate classification (germline): Uncertain significance (1 of 4 stars; one submission).

Submission:

GeneDx
Classification: Uncertain significance. Last evaluated: 2023-05-07. Review status: criteria provided, single submitter. Criteria: GeneDx Variant Classification Process June 2021. Collection method: clinical testing. Allele origin: germline. Affected: yes.
Comment: Not observed at significant frequency in large population cohorts (gnomAD); In silico analysis supports that this missense variant does not alter protein structure/function; Has not been previously published as pathogenic or benign to our knowledge